The following is an entry in ClinVar:

ClinVar aggregate classification (germline): Conflicting classifications of pathogenicity. Review status: criteria provided, conflicting classifications (1 of 4 stars). 2 submissions from 2 submitters: Uncertain significance (1); Likely benign (1). Last evaluated 2024-08-09.

Conditions:
Inborn genetic diseases. Identifiers: MedGen C0950123, MeSH D030342.
Hyperthyroidism. Identifiers: MedGen C0020550, MONDO:0004425, HP:0000836.

Allele frequency attached by ClinVar (database versions not stated): ExAC 0.00001; gnomAD exomes 0.00001.
gnomAD v4.1: 10 of 1,613,388 alleles (0.00062%); highest among the groups gnomAD compares: Middle Eastern, 0.016%; no homozygotes.

Submissions (2):

Cambridge Genomics Laboratory, East Genomic Laboratory Hub, NHS Genomic Medicine Service
Classification: Likely benign for Hyperthyroidism. Last evaluated: 2024-08-09. Review status: criteria provided, single submitter. Criteria: ACGS Best Practice Guidelines for Variant Classification in Rare Disease 2020. Collection method: clinical testing. Allele origin: germline. Affected: yes.
Comment: BS1_Strong,BP4

Ambry Genetics
Classification: Uncertain significance for Inborn genetic diseases. Last evaluated: 2021-07-14. Review status: criteria provided, single submitter. Criteria: Ambry Variant Classification Scheme 2023. Collection method: clinical testing. Allele origin: germline.

NM_000369.5(TSHR):c.2170G>T (p.Val724Phe)

Genes: TSHR (thyroid stimulating hormone receptor; plus strand), TSHR-AS1 (TSHR antisense RNA 1; minus strand). Cytogenetic location: 14q31.1.
Variant type: single nucleotide variant.
Coding change: c.2170G>T on transcript NM_000369.5 (MANE Select); coding-DNA position 2170, G replaced by T.
Protein change: p.Val724Phe; replaces valine 724 with phenylalanine.
Molecular consequence: missense variant.
Genome position (GRCh38, 1-based): chr14:81,144,228, G>T. VCF-style: chr14-81144228-G-T. GRCh37 (hg19) VCF-style: chr14-81610572-G-T.
Other names: short protein forms V724F.
Identifiers: ClinVar variation 2237467 (VCV002237467.3), dbSNP rs765569628, ClinGen allele CA7294597.